The following is an entry in ClinVar:

NM_001194.4(HCN2):c.1657G>A (p.Val553Ile)

Gene: HCN2 (hyperpolarization activated cyclic nucleotide gated potassium and sodium channel 2; plus strand). Cytogenetic location: 19p13.3.
Variant type: single nucleotide variant.
Coding change: c.1657G>A on transcript NM_001194.4 (MANE Select); coding-DNA position 1657, G replaced by A.
Protein change: p.Val553Ile; replaces valine 553 with isoleucine.
Molecular consequence: missense variant.
Genome position (GRCh38, 1-based): chr19:613,320, G>A. VCF-style: chr19-613320-G-A. GRCh37 (hg19) VCF-style: chr19-613320-G-A.
Other names: short protein forms V553I.
Identifiers: ClinVar variation 2671658 (VCV002671658.1), dbSNP rs2512457907, ClinGen allele CA402881214.
Genomic context (GRCh38, chr19:613,320, plus strand): 5'-TTCAACTGCCGGAAGCTGGTGGCCTCCATGCCGCTGTTCGCCAACGCCGACCCCAACTTC[G>A]TCACGGCCATGCTGACCAAGCTCAAGTTCGAGGTCTTCCAGCCGGGTGACTACATCATCC-3'
Protein context (NP_001185.3, residues 543-563): PLFANADPNF[Val553Ile]TAMLTKLKFE

ClinVar aggregate classification (germline): Uncertain significance (1 of 4 stars; one submission).

Conditions:
Febrile seizures, familial, 2 (FEB2). Also called: Convulsions, familial febrile, 2. Identifiers: MedGen C1865342, MONDO:0011231.

Submission:

Neuberg Centre For Genomic Medicine, NCGM
Classification: Uncertain significance for Epilepsy, idiopathic generalized, susceptibility to, 17. Last evaluated: 2023-03-01. Review status: criteria provided, single submitter. Criteria: ACMG Guidelines, 2015. Collection method: clinical testing. Allele origin: germline. Inheritance: Autosomal dominant inheritance. Affected: yes.
Comment: The missense variant c.1657G>A (p.Val553Ile) in the HCN2 gene has not been reported previously as a pathogenic variant nor as a benign variant, to our knowledge. This variant is novel (not in any individuals) in gnomAD Exomes and 1000 Genomes. The amino acid Valine at position 553 is changed to an Isoleucine changing protein sequence and it might alter its composition and physico-chemical properties. The variant is predicted as damaging by SIFT. The amino acid change p.Val553Ile in HCN2 is predicted as conserved by GERP++ and PhyloP across 100 vertebrates. For these reasons, this variant has been classified as Uncertain Significance.